The following is an entry in ClinVar:

NM_000074.3(CD40LG):c.159AGA[1] (p.Glu54del)

Gene: CD40LG (CD40 ligand; plus strand). Cytogenetic location: Xq26.3.
Variant type: Microsatellite.
Coding change: c.159AGA[1] on transcript NM_000074.3 (MANE Select); one copy of the 3-base unit AGA starting at c.159; the reference has two copies in a row; one copy, 3 bases deleted.
Protein change: p.Glu54del; deletes glutamic acid 54.
Genome position (GRCh38, 1-based): chrX:136,650,271-136,650,273, AGA deleted; deleting any 3 consecutive bases within chrX:136,650,268-136,650,273 gives the same sequence; the position shown is the placement nearest the transcript's 3' end. VCF-style (leftmost placement, unchanged base first): chrX-136650267-TAGA-T. GRCh37 (hg19) VCF-style: chrX-135732426-TAGA-T.
Other names: short protein forms E54del.
Identifiers: ClinVar variation 3726185 (VCV003726185.2).

ClinVar aggregate classification (germline): Uncertain significance (1 of 4 stars; one submission).

Conditions:
Hyper-IgM syndrome type 1. Also called: Hyper-IgM Immunodeficiency Syndrome, Type 1; CD40 Ligand Deficiency; X-linked hyper-IgM syndrome; Immunodeficiency, X-linked, with hyper-IgM. Identifiers: Orphanet 101088, MedGen C0398689, MONDO:0010626, OMIM 308230.

Submission:

Labcorp Genetics (formerly Invitae), Labcorp
Classification: Uncertain significance for Hyper-IgM syndrome type 1. Last evaluated: 2024-11-27. Review status: criteria provided, single submitter. Criteria: Invitae Variant Classification Sherloc (09022015). Collection method: clinical testing. Allele origin: germline.
Comment: This variant, c.162_164del, results in the deletion of 1 amino acid(s) of the CD40LG protein (p.Glu54del), but otherwise preserves the integrity of the reading frame. This variant is not present in population databases (gnomAD no frequency). This variant has not been reported in the literature in individuals affected with CD40LG-related conditions. Experimental studies and prediction algorithms are not available or were not evaluated, and the functional significance of this variant is currently unknown. In summary, the available evidence is currently insufficient to determine the role of this variant in disease. Therefore, it has been classified as a Variant of Uncertain Significance.